The following is an entry in ClinVar:

ClinVar aggregate classification (germline): Uncertain significance. Review status: criteria provided, multiple submitters, no conflicts (2 of 4 stars). 7 submissions from 7 submitters: Uncertain significance (7). Last evaluated 2026-03-24.

Conditions:
Inborn genetic diseases. Identifiers: MedGen C0950123, MeSH D030342.
Wolfram-like syndrome. Also called: HEARING LOSS, PROGRESSIVE, WITH OPTIC ATROPHY AND/OR IMPAIRED GLUCOSE REGULATION. Identifiers: Orphanet 411590, MedGen C3280358, MONDO:0013673, OMIM 614296.
Wolfram syndrome 1 (WFS1). Identifiers: Orphanet 3463, MedGen C4551693, MONDO:0009101, OMIM 222300.
Cataract 41 (CTRCT41). Also called: CATARACT 41, CONGENITAL NUCLEAR TYPE. Identifiers: Orphanet 91492, Orphanet 98991, Orphanet 98992, Orphanet 98995, MedGen C3805412, MONDO:0007287, OMIM 116400.
Autosomal dominant nonsyndromic hearing loss 6 (LFSNHL). Also called: DEAFNESS, AUTOSOMAL DOMINANT 6; DEAFNESS, AUTOSOMAL DOMINANT 14; DEAFNESS, AUTOSOMAL DOMINANT 38; Autosomal dominant nonsyndromic deafness 6. Identifiers: Orphanet 90635, MedGen C1833021, MONDO:0010963, OMIM 600965.
Type 2 diabetes mellitus. Also called: Type II diabetes mellitus. Identifiers: MedGen C0011860, MeSH D003924, MONDO:0005148, OMIM 125853, HP:0005978.
WFS1-related disorder. Identifiers: MedGen CN379391, MONDO:0700293.

Allele frequency attached by ClinVar (database versions not stated): TOPMed 0.00006.
gnomAD v4.1: 25 of 1,611,442 alleles (0.0016%); highest among the groups gnomAD compares: African/African-American, 0.029%; no homozygotes.

Submissions (7):

GeneDx
Classification: Uncertain significance. Last evaluated: 2026-03-24. Review status: criteria provided, single submitter. Criteria: GeneDx Variant Classification Process June 2021. Collection method: clinical testing. Allele origin: germline.
Comment: In silico analysis suggests that this missense variant does not alter protein structure/function; Has not been previously published as pathogenic or benign to our knowledge

Labcorp Genetics (formerly Invitae), Labcorp
Classification: Uncertain significance. Last evaluated: 2025-07-10. Review status: criteria provided, single submitter. Criteria: Invitae Variant Classification Sherloc (09022015). Collection method: clinical testing. Allele origin: germline.
Comment: This sequence change replaces threonine, which is neutral and polar, with serine, which is neutral and polar, at codon 487 of the WFS1 protein (p.Thr487Ser). This variant is present in population databases (rs142269405, gnomAD 0.02%). This variant has not been reported in the literature in individuals affected with WFS1-related conditions. ClinVar contains an entry for this variant (Variation ID: 1417343). Invitae Evidence Modeling of protein sequence and biophysical properties (such as structural, functional, and spatial information, amino acid conservation, physicochemical variation, residue mobility, and thermodynamic stability) indicates that this missense variant is not expected to disrupt WFS1 protein function with a negative predictive value of 95%. In summary, the available evidence is currently insufficient to determine the role of this variant in disease. Therefore, it has been classified as a Variant of Uncertain Significance.

Women's Health and Genetics/Laboratory Corporation of America, LabCorp
Classification: Uncertain significance. Last evaluated: 2025-06-17. Review status: criteria provided, single submitter. Criteria: LabCorp Variant Classification Summary - May 2015. Collection method: clinical testing. Allele origin: germline.
Comment: Variant summary: WFS1 c.1460C>G (p.Thr487Ser) results in a conservative amino acid change in the encoded protein sequence. Algorithms developed to predict the effect of missense changes on protein structure and function are either unavailable or do not agree on the potential impact of this missense change. The variant allele was found at a frequency of 2e-05 in 249426 control chromosomes. The available data on variant occurrences in the general population are insufficient to allow any conclusion about variant significance. To our knowledge, no occurrence of c.1460C>G in individuals affected with Wolfram Syndrome 1 and no experimental evidence demonstrating its impact on protein function have been reported. ClinVar contains an entry for this variant (Variation ID: 1417343). Based on the evidence outlined above, the variant was classified as uncertain significance.

PreventionGenetics, part of Exact Sciences
Classification: Uncertain significance for WFS1-related condition. Last evaluated: 2025-03-22. Review status: criteria provided, single submitter. Criteria: ACMG Guidelines, 2015. Collection method: clinical testing. Allele origin: germline.
Comment: The WFS1 c.1460C>G variant is predicted to result in the amino acid substitution p.Thr487Ser. To our knowledge, this variant has not been reported in the literature. This variant is reported in 0.024% of alleles in individuals of African descent in gnomAD. At this time, the clinical significance of this variant is uncertain due to the absence of conclusive functional and genetic evidence.

Ambry Genetics
Classification: Uncertain significance for Inborn genetic diseases. Last evaluated: 2025-01-02. Review status: criteria provided, single submitter. Criteria: Ambry Variant Classification Scheme 2023. Collection method: clinical testing. Allele origin: germline.

Fulgent Genetics
Classification: Uncertain significance for Cataract 41; Type 2 diabetes mellitus; Wolfram syndrome 1; Autosomal dominant nonsyndromic hearing loss 6; Wolfram-like syndrome. Last evaluated: 2024-06-04. Review status: criteria provided, single submitter. Criteria: ACMG Guidelines, 2015. Collection method: clinical testing. Allele origin: germline.

Blueprint Genetics
Classification: Uncertain significance. Last evaluated: 2023-10-27. Review status: criteria provided, single submitter. Criteria: ACMG Guidelines, 2015. Collection method: clinical testing. Allele origin: germline.

NM_006005.3(WFS1):c.1460C>G (p.Thr487Ser)

Gene: WFS1 (wolframin ER transmembrane glycoprotein; plus strand). Cytogenetic location: 4p16.1.
Variant type: single nucleotide variant.
Coding change: c.1460C>G on transcript NM_006005.3 (MANE Select); coding-DNA position 1460, C replaced by G.
Protein change: p.Thr487Ser; replaces threonine 487 with serine.
Molecular consequence: missense variant.
Genome position (GRCh38, 1-based): chr4:6,301,255, C>G. VCF-style: chr4-6301255-C-G. GRCh37 (hg19) VCF-style: chr4-6302982-C-G.
Other names: c.1460C>G, p.Thr487Ser (NM_001145853.1); short protein forms T487S.
Identifiers: ClinVar variation 1417343 (VCV001417343.13), dbSNP rs142269405, ClinGen allele CA2839360.
Genomic context (GRCh38, chr4:6,301,255, plus strand): 5'-TGCTATCGCTGCTGCCCTCCATGCCCTTGAATTGGCCCTACCTGAAGGTCCTTGGCCAGA[C>G]CTTCATCACCGTGCCTGTCGGCCACCTGGTCGTCCTCAACGTCAGCGTCCCGTGCCTGCT-3'
Protein context (NP_005996.2, residues 477-497): NWPYLKVLGQ[Thr487Ser]FITVPVGHLV